The following is an entry in ClinVar:

NC_000005.9:g.(?_112104310)_(112154750_?)del

Gene: APC (APC regulator of Wnt signaling pathway; plus strand). Cytogenetic location: 5q22.2.
Variant type: Deletion.
Identifiers: ClinVar variation 3246390 (VCV003246390.1).

ClinVar aggregate classification (germline): Likely pathogenic (1 of 4 stars; one submission).

Conditions:
Familial adenomatous polyposis 1 (FAP1). Also called: POLYPOSIS, ADENOMATOUS INTESTINAL; FAMILIAL ADENOMATOUS POLYPOSIS 1, ATTENUATED. Identifiers: MedGen C2713442, MONDO:0021056, OMIM 175100. Disease mechanism: loss of function.

Submission:

Labcorp Genetics (formerly Invitae), Labcorp
Classification: Likely pathogenic for Familial adenomatous polyposis 1. Last evaluated: 2019-02-11. Review status: criteria provided, single submitter. Criteria: Invitae Variant Classification Sherloc (09022015). Collection method: clinical testing. Allele origin: unknown.
Comment: In summary, the currently available evidence indicates that the variant is pathogenic, but additional data are needed to prove that conclusively. Therefore, this variant has been classified as Likely Pathogenic. Loss-of-function variants in APC are known to be pathogenic (PMID: 17963004, 20685668). This variant is a deletion of the genomic region encompassing exons 5-9 and part of exon 10 (c.422+1223_1021del) of the APC gene. It is expected to disrupt RNA splicing and likely results in an absent or disrupted protein product.

Literature cited by the submitters: PubMed 17963004; PubMed 20685668.